The following is an entry in ClinVar:

ClinVar aggregate classification (germline): Uncertain significance. Review status: criteria provided, multiple submitters, no conflicts (2 of 4 stars). 2 submissions from 2 submitters: Uncertain significance (2). Last evaluated 2023-10-20.

Conditions:
Hereditary cancer-predisposing syndrome. Also called: Hereditary Cancer Syndrome; Hereditary neoplastic syndrome; Neoplastic Syndromes, Hereditary; Tumor predisposition. Identifiers: Orphanet 140162, MedGen C0027672, MeSH D009386, MONDO:0015356.
Tuberous sclerosis 2 (TSC2). Identifiers: Orphanet 805, MedGen C1860707, MONDO:0013199, OMIM 613254.

Submissions (2):

Ambry Genetics
Classification: Uncertain significance for Hereditary cancer-predisposing syndrome. Last evaluated: 2023-10-20. Review status: criteria provided, single submitter. Criteria: Ambry Variant Classification Scheme 2023. Collection method: clinical testing. Allele origin: germline.
Comment: The p.R585L variant (also known as c.1754G>T), located in coding exon 16 of the TSC2 gene, results from a G to T substitution at nucleotide position 1754. The arginine at codon 585 is replaced by leucine, an amino acid with dissimilar properties. This amino acid position is conserved. In addition, this alteration is predicted to be deleterious by in silico analysis. Since supporting evidence is limited at this time, the clinical significance of this alteration remains unclear.

Labcorp Genetics (formerly Invitae), Labcorp
Classification: Uncertain significance for Tuberous sclerosis 2. Last evaluated: 2023-08-16. Review status: criteria provided, single submitter. Criteria: Invitae Variant Classification Sherloc (09022015). Collection method: clinical testing. Allele origin: germline.
Comment: This sequence change replaces arginine, which is basic and polar, with leucine, which is neutral and non-polar, at codon 585 of the TSC2 protein (p.Arg585Leu). In summary, the available evidence is currently insufficient to determine the role of this variant in disease. Therefore, it has been classified as a Variant of Uncertain Significance. Advanced modeling of protein sequence and biophysical properties (such as structural, functional, and spatial information, amino acid conservation, physicochemical variation, residue mobility, and thermodynamic stability) performed at Invitae indicates that this missense variant is not expected to disrupt TSC2 protein function. This variant has not been reported in the literature in individuals affected with TSC2-related conditions. This variant is not present in population databases (gnomAD no frequency).

NM_000548.5(TSC2):c.1754G>T (p.Arg585Leu)

Gene: TSC2 (TSC complex subunit 2; plus strand). Cytogenetic location: 16p13.3.
Variant type: single nucleotide variant.
Coding change: c.1754G>T on transcript NM_000548.5 (MANE Select); coding-DNA position 1754, G replaced by T.
Protein change: p.Arg585Leu; replaces arginine 585 with leucine.
Molecular consequence: missense variant. On other transcripts: non-coding transcript variant (5).
Genome position (GRCh38, 1-based): chr16:2,070,493, G>T. VCF-style: chr16-2070493-G-T. GRCh37 (hg19) VCF-style: chr16-2120494-G-T.
Other names: c.1154G>T, p.Arg385Leu (NM_001406680.1, NM_001406682.1, NM_001406683.1 and 6 more transcripts); c.1292G>T, p.Arg431Leu (NM_001406681.1); c.410G>T, p.Arg137Leu (NM_001406689.1, NM_001406690.1, NM_001406691.1 and 6 more transcripts); c.1754G>T, p.Arg585Leu (NM_001077183.3, NM_001114382.3, NM_001363528.2 and 6 more transcripts); c.1643G>T, p.Arg548Leu (NM_001318827.2, NM_001406670.1, NM_001406678.1); c.1607G>T, p.Arg536Leu (NM_001318829.2, NM_001406675.1, NM_001406676.1 and 1 more transcripts); c.1787G>T, p.Arg596Leu (NM_001318832.2); c.1844G>T, p.Arg615Leu (NM_001406667.1, NM_001406668.1); and 3 more; short protein forms R581L, R615L, R536L, R548L, R137L, R385L, R566L, R596L.
Identifiers: ClinVar variation 2882512 (VCV002882512.4), dbSNP rs397515063, ClinGen allele CA394272820.
Genomic context (GRCh38, chr16:2,070,493, plus strand): 5'-TGAGCTGCGTCCTCTCTCTGCAGACCAAGCTGTACACCCTGCCTGCAAGCCACGCCACGC[G>T]TGTGTATGAGATGCTGGTCAGCCACATTCAGCTCCACTACAAGCACAGCTACACCCTGCC-3'
Protein context (NP_000539.2, residues 575-595): LYTLPASHAT[Arg585Leu]VYEMLVSHIQ